The following is an entry in ClinVar:

ClinVar aggregate classification (germline): Uncertain significance. Review status: criteria provided, multiple submitters, no conflicts (2 of 4 stars). 2 submissions from 2 submitters: Uncertain significance (2). Last evaluated 2023-01-22.

Conditions:
Distal myopathy with posterior leg and anterior hand involvement. Also called: WILLIAMS DISTAL MYOPATHY. Identifiers: Orphanet 63273, MedGen C3279722, MONDO:0013550, OMIM 614065.
Hypertrophic cardiomyopathy 26. Also called: Cardiomyopathy, familial hypertrophic, 26. Identifiers: Orphanet 75249, MedGen C4310749, MONDO:0014883, OMIM 617047.
Myofibrillar myopathy 5. Also called: Filaminopathy (type); FILAMINOPATHY, AUTOSOMAL DOMINANT. Identifiers: Orphanet 171445, MedGen C1836050, MONDO:0012289, OMIM 609524.
Cardiovascular phenotype. Identifiers: MedGen CN230736.

Submissions (2):

Labcorp Genetics (formerly Invitae), Labcorp
Classification: Uncertain significance for Distal myopathy with posterior leg and anterior hand involvement; Myofibrillar myopathy 5; Hypertrophic cardiomyopathy 26. Last evaluated: 2023-01-22. Review status: criteria provided, single submitter. Criteria: Invitae Variant Classification Sherloc (09022015). Collection method: clinical testing. Allele origin: germline.
Comment: In summary, the available evidence is currently insufficient to determine the role of this variant in disease. Therefore, it has been classified as a Variant of Uncertain Significance. Advanced modeling of protein sequence and biophysical properties (such as structural, functional, and spatial information, amino acid conservation, physicochemical variation, residue mobility, and thermodynamic stability) performed at Invitae indicates that this missense variant is not expected to disrupt FLNC protein function. ClinVar contains an entry for this variant (Variation ID: 1759280). This variant has not been reported in the literature in individuals affected with FLNC-related conditions. This variant is not present in population databases (gnomAD no frequency). This sequence change replaces aspartic acid, which is acidic and polar, with asparagine, which is neutral and polar, at codon 2504 of the FLNC protein (p.Asp2504Asn).

Ambry Genetics
Classification: Uncertain significance for Cardiovascular phenotype. Last evaluated: 2019-07-26. Review status: criteria provided, single submitter. Criteria: Ambry Variant Classification Scheme 2023. Collection method: clinical testing. Allele origin: germline.
Comment: The p.D2504N variant (also known as c.7510G>A), located in coding exon 45 of the FLNC gene, results from a G to A substitution at nucleotide position 7510. The aspartic acid at codon 2504 is replaced by asparagine, an amino acid with highly similar properties. This amino acid position is highly conserved in available vertebrate species. In addition, the in silico prediction for this alteration is inconclusive. Since supporting evidence is limited at this time, the clinical significance of this alteration remains unclear.

NM_001458.5(FLNC):c.7510G>A (p.Asp2504Asn)

Genes: FLNC-AS1 (FLNC antisense RNA 1; minus strand), FLNC (filamin C; plus strand). Cytogenetic location: 7q32.1.
Variant type: single nucleotide variant.
Coding change: c.7510G>A on transcript NM_001458.5 (MANE Select); coding-DNA position 7510, G replaced by A.
Protein change: p.Asp2504Asn; replaces aspartic acid 2504 with asparagine.
Molecular consequence: missense variant.
Genome position (GRCh38, 1-based): chr7:128,856,870, G>A. VCF-style: chr7-128856870-G-A. GRCh37 (hg19) VCF-style: chr7-128496924-G-A.
Other names: c.7411G>A, p.Asp2471Asn (NM_001127487.2); short protein forms D2471N, D2504N.
Identifiers: ClinVar variation 1759280 (VCV001759280.5), dbSNP rs2536670523, ClinGen allele CA369218722.
Genomic context (GRCh38, chr7:128,856,870, plus strand): 5'-GGTGCCCACATCCCTGGAAGTCCCTTCAAGATCCGCGTTGGGGAGCAGAGCCAGGCTGGG[G>A]ACCCAGGCTTGGTGTCAGCCTACGGTCCTGGGCTCGAGGGAGGCACTACCGGTGAGTGCC-3'
Protein context (NP_001449.3, residues 2494-2514): IRVGEQSQAG[Asp2504Asn]PGLVSAYGPG